The following is an entry in ClinVar:

NM_000392.5(ABCC2):c.1052del (p.Ser351fs)

Gene: ABCC2 (ATP binding cassette subfamily C member 2; plus strand). Cytogenetic location: 10q24.2.
Variant type: Deletion.
Coding change: c.1052del on transcript NM_000392.5 (MANE Select); coding-DNA position 1052, one base deleted (G; older notation c.1052delG).
Protein change: p.Ser351fs; shifts the reading frame from serine 351.
Molecular consequence: frameshift variant.
Genome position (GRCh38, 1-based): chr10:99,800,406, G deleted. VCF-style (leftmost placement, unchanged base first): chr10-99800405-AG-A. GRCh37 (hg19) VCF-style: chr10-101560162-AG-A.
Other names: short protein forms S351fs.
Identifiers: ClinVar variation 2968182 (VCV002968182.4), dbSNP rs758934998, ClinGen allele CA5643071.

ClinVar aggregate classification (germline): Pathogenic (1 of 4 stars; one submission).

Allele frequency attached by ClinVar (database versions not stated): gnomAD exomes below 0.00001; ExAC 0.00001; gnomAD 0.00001; TOPMed 0.00002.

Submission:

Labcorp Genetics (formerly Invitae), Labcorp
Classification: Pathogenic. Last evaluated: 2023-02-07. Review status: criteria provided, single submitter. Criteria: Invitae Variant Classification Sherloc (09022015). Collection method: clinical testing. Allele origin: germline.
Comment: For these reasons, this variant has been classified as Pathogenic. This variant has not been reported in the literature in individuals affected with ABCC2-related conditions. This variant is present in population databases (rs758934998, gnomAD 0.008%). This sequence change creates a premature translational stop signal (p.Ser351Metfs*40) in the ABCC2 gene. It is expected to result in an absent or disrupted protein product. Loss-of-function variants in ABCC2 are known to be pathogenic (PMID: 9185779, 16549534, 16952291).

Literature cited by the submitters: PubMed 9185779; PubMed 16549534; PubMed 16952291.